The following is an entry in ClinVar:

NM_001401501.2(MUC16):c.38877C>T (p.Asn12959=)

Gene: MUC16 (mucin 16, cell surface associated; minus strand). Cytogenetic location: 19p13.2.
Variant type: single nucleotide variant.
Coding change: c.38877C>T on transcript NM_001401501.2 (MANE Select); coding-DNA position 38877, C replaced by T.
Protein change: p.Asn12959=; no amino-acid change (asparagine 12959 retained).
Molecular consequence: synonymous variant.
Genome position (GRCh38, 1-based): chr19:8,901,839, G>A on the plus strand (C>T on the coding strand, the complement: MUC16 is on the minus strand). VCF-style: chr19-8901839-G-A. GRCh37 (hg19) VCF-style: chr19-9012515-G-A.
Other names: c.39303C>T, p.Asn13101= (NM_001414686.1); c.38757C>T, p.Asn12919= (NM_001414687.1); c.38691C>T, p.Asn12897= (NM_024690.2).
Identifiers: ClinVar variation 3034664 (VCV003034664.2), dbSNP rs1340343212, ClinGen allele CA505287277.

ClinVar aggregate classification (germline): Likely benign (0 of 4 stars; one submission).

Conditions:
MUC16-related disorder. Also called: MUC16-related condition.

Submission:

PreventionGenetics, part of Exact Sciences
Classification: Likely benign for MUC16-related condition. Last evaluated: 2019-04-19. Review status: no assertion criteria provided. Collection method: clinical testing. Allele origin: germline.
Comment: This variant is classified as likely benign based on ACMG/AMP sequence variant interpretation guidelines (Richards et al. 2015 PMID: 25741868, with internal and published modifications).